The following is an entry in ClinVar:

NM_001303256.3(MORC2):c.292G>A (p.Gly98Arg)

Gene: MORC2 (MORC family CW-type zinc finger 2; minus strand). Cytogenetic location: 22q12.2.
Variant type: single nucleotide variant.
Coding change: c.292G>A on transcript NM_001303256.3 (MANE Select); coding-DNA position 292, G replaced by A.
Protein change: p.Gly98Arg; replaces glycine 98 with arginine.
Molecular consequence: missense variant.
Genome position (GRCh38, 1-based): chr22:30,949,777, C>T on the plus strand (G>A on the coding strand, the complement: MORC2 is on the minus strand). VCF-style: chr22-30949777-C-T. GRCh37 (hg19) VCF-style: chr22-31345763-C-T.
Other names: c.292G>A, p.Gly98Arg (NM_001303257.2); c.106G>A, p.Gly36Arg (NM_014941.3); short protein forms G36R, G98R.
Identifiers: ClinVar variation 804305 (VCV000804305.2), dbSNP rs1602499631, ClinGen allele CA411245055.

ClinVar aggregate classification (germline): Conflicting classifications of pathogenicity. Review status: criteria provided, conflicting classifications (1 of 4 stars). 2 submissions from 2 submitters: Likely pathogenic (1); Uncertain significance (1). Last evaluated 2025-03-27.

Conditions:
Charcot-Marie-Tooth disease axonal type 2Z. Also called: CHARCOT-MARIE-TOOTH DISEASE, AXONAL, AUTOSOMAL DOMINANT, TYPE 2Z; CHARCOT-MARIE-TOOTH NEUROPATHY, TYPE 2Z. Identifiers: Orphanet 466768, MedGen C5569025, MONDO:0014736, OMIM 616688.

Submissions (2):

Labcorp Genetics (formerly Invitae), Labcorp
Classification: Uncertain significance for Charcot-Marie-Tooth disease axonal type 2Z. Last evaluated: 2025-03-27. Review status: criteria provided, single submitter. Criteria: Invitae Variant Classification Sherloc (09022015). Collection method: clinical testing. Allele origin: germline.
Comment: This sequence change replaces glycine, which is neutral and non-polar, with arginine, which is basic and polar, at codon 98 of the MORC2 protein (p.Gly98Arg). This variant is not present in population databases (gnomAD no frequency). This missense change has been observed in individual(s) with autism and/or neurodevelopmental disorder (PMID: 33057194, 35982159). ClinVar contains an entry for this variant (Variation ID: 804305). Invitae Evidence Modeling of protein sequence and biophysical properties (such as structural, functional, and spatial information, amino acid conservation, physicochemical variation, residue mobility, and thermodynamic stability) indicates that this missense variant is expected to disrupt MORC2 protein function with a positive predictive value of 95%. Algorithms developed to predict the effect of sequence changes on RNA splicing suggest that this variant may disrupt the consensus splice site. In summary, the available evidence is currently insufficient to determine the role of this variant in disease. Therefore, it has been classified as a Variant of Uncertain Significance.

GeneDx
Classification: Likely pathogenic. Last evaluated: 2019-10-14. Review status: criteria provided, single submitter. Criteria: GeneDx Variant Classification (06012015). Collection method: clinical testing. Allele origin: germline. Affected: yes.
Comment: The G98R variant in the MORC2 gene has been observed as a de novo variant in internal GeneDx whole exome sequencing data in association with developmental delay, short stature, microcephaly, and atypical facial features. The G98R variant is not observed in large population cohorts (Lek et al., 2016). In silico analysis, which includes protein predictors and evolutionary conservation, supports a deleterious effect. Therefore, we interpret G98R as a likely pathogenic variant.

Literature cited by the submitters: PubMed 33057194 (cited by Labcorp Genetics (formerly Invitae), Labcorp); PubMed 35982159 (cited by Labcorp Genetics (formerly Invitae), Labcorp).